The following is an entry in ClinVar:

NM_006030.4(CACNA2D2):c.586A>G (p.Asn196Asp)

Gene: CACNA2D2 (calcium voltage-gated channel auxiliary subunit alpha2delta 2; minus strand). Cytogenetic location: 3p21.31.
Variant type: single nucleotide variant.
Coding change: c.586A>G on transcript NM_006030.4 (MANE Select); coding-DNA position 586, A replaced by G.
Protein change: p.Asn196Asp; replaces asparagine 196 with aspartic acid.
Molecular consequence: missense variant.
Genome position (GRCh38, 1-based): chr3:50,384,262, T>C on the plus strand (A>G on the coding strand, the complement: CACNA2D2 is on the minus strand). VCF-style: chr3-50384262-T-C. GRCh37 (hg19) VCF-style: chr3-50421693-T-C.
Other names: c.586A>G, p.Asn196Asp (NM_001005505.3, NM_001174051.3); c.379A>G, p.Asn127Asp (NM_001291101.1); short protein forms N127D, N196D.
Identifiers: ClinVar variation 1018153 (VCV001018153.4), dbSNP rs1037048706, ClinGen allele CA74619772.

ClinVar aggregate classification (germline): Uncertain significance (1 of 4 stars; one submission).

Conditions:
Developmental and epileptic encephalopathy. Identifiers: MedGen C5779964, MONDO:0100620.

Allele frequency attached by ClinVar (database versions not stated): gnomAD 0.00001; gnomAD exomes 0.00001 and 0.00002; TOPMed 0.00003.
gnomAD v4.1: 29 of 1,614,080 alleles (0.0018%); highest among the groups gnomAD compares: Non-Finnish European, 0.0023%; no homozygotes.

Submission:

Labcorp Genetics (formerly Invitae), Labcorp
Classification: Uncertain significance for Early-infantile DEE. Last evaluated: 2020-05-24. Review status: criteria provided, single submitter. Criteria: Invitae Variant Classification Sherloc (09022015). Collection method: clinical testing. Allele origin: germline.
Comment: In summary, the available evidence is currently insufficient to determine the role of this variant in disease. Therefore, it has been classified as a Variant of Uncertain Significance. Algorithms developed to predict the effect of missense changes on protein structure and function are either unavailable or do not agree on the potential impact of this missense change (SIFT: "Deleterious"; PolyPhen-2: "Possibly Damaging"; Align-GVGD: "Class C0"). This variant has not been reported in the literature in individuals with CACNA2D2-related conditions. This variant is not present in population databases (ExAC no frequency). This sequence change replaces asparagine with aspartic acid at codon 196 of the CACNA2D2 protein (p.Asn196Asp). The asparagine residue is highly conserved and there is a small physicochemical difference between asparagine and aspartic acid.